The following is an entry in ClinVar:

ClinVar aggregate classification (germline): Conflicting classifications of pathogenicity. Review status: criteria provided, conflicting classifications (1 of 4 stars). 2 submissions from 2 submitters: Uncertain significance (1); Likely benign (1). Last evaluated 2025-03-18.

Allele frequency attached by ClinVar (database versions not stated): gnomAD exomes 0.00003; ExAC 0.00005; gnomAD 0.00009; TOPMed 0.00012.
gnomAD v4.1: 38 of 1,547,812 alleles (0.0025%); highest among the groups gnomAD compares: African/African-American, 0.034%; no homozygotes.

Submissions (2):

Labcorp Genetics (formerly Invitae), Labcorp
Classification: Likely benign. Last evaluated: 2025-03-18. Review status: criteria provided, single submitter. Criteria: Invitae Variant Classification Sherloc (09022015). Collection method: clinical testing. Allele origin: germline.

GeneDx
Classification: Uncertain significance. Last evaluated: 2024-09-18. Review status: criteria provided, single submitter. Criteria: GeneDx Variant Classification Process June 2021. Collection method: clinical testing. Allele origin: germline. Affected: yes.
Comment: In silico analysis indicates that this variant does not alter splicing; Has not been previously published as pathogenic or benign to our knowledge

NM_001370595.2(COA8):c.36C>T (p.Leu12=)

Gene: COA8 (cytochrome c oxidase assembly factor 8; plus strand). Cytogenetic location: 14q32.33.
Variant type: single nucleotide variant.
Coding change: c.36C>T on transcript NM_001370595.2 (MANE Select); coding-DNA position 36, C replaced by T.
Protein change: p.Leu12=; no amino-acid change (leucine 12 retained).
Molecular consequence: synonymous variant. On other transcripts: non-coding transcript variant (2).
Genome position (GRCh38, 1-based): chr14:103,563,037, C>T. VCF-style: chr14-103563037-C-T. GRCh37 (hg19) VCF-style: chr14-104029374-C-T.
Other names: c.36C>T, p.Leu12= (NM_001302653.2, NM_001302654.2).
Identifiers: ClinVar variation 1681853 (VCV001681853.9), dbSNP rs778310543, ClinGen allele CA7365393.